The following is an entry in ClinVar:

NM_006514.4(SCN10A):c.549G>A (p.Thr183=)

Gene: SCN10A (sodium voltage-gated channel alpha subunit 10; minus strand). Cytogenetic location: 3p22.2.
Variant type: single nucleotide variant.
Coding change: c.549G>A on transcript NM_006514.4 (MANE Select); coding-DNA position 549, G replaced by A.
Protein change: p.Thr183=; no amino-acid change (threonine 183 retained).
Molecular consequence: synonymous variant.
Genome position (GRCh38, 1-based): chr3:38,771,329, C>T on the plus strand (G>A on the coding strand, the complement: SCN10A is on the minus strand). VCF-style: chr3-38771329-C-T. GRCh37 (hg19) VCF-style: chr3-38812820-C-T.
Other names: c.549G>A, p.Thr183= (NM_001293306.2, NM_001293307.2).
Identifiers: ClinVar variation 414632 (VCV000414632.14), dbSNP rs141703064, ClinGen allele CA2321169.

ClinVar aggregate classification (germline): Likely benign. Review status: criteria provided, multiple submitters, no conflicts (2 of 4 stars). 3 submissions from 3 submitters: Likely benign (2). 1 of the submissions does not count toward it. Last evaluated 2025-12-27.

Conditions:
SCN10A-related disorder. Also called: SCN10A-related condition.
Cardiovascular phenotype. Identifiers: MedGen CN230736.
Brugada syndrome. Also called: Sudden unexplained nocturnal death syndrome; Sudden unexpected nocturnal death syndrome; Sudden Unexplained Death Syndrome; Sudden Unexplained Nocturnal Death Syndrome (SUNDS). Identifiers: Orphanet 130, MedGen C1142166, MONDO:0015263.

Allele frequency attached by ClinVar (database versions not stated): gnomAD 0.00006; gnomAD exomes 0.00006 and 0.00003; ESP Exome Variant Server 0.00008; ExAC 0.00005; TOPMed 0.00005.
gnomAD v4.1: 88 of 1,613,986 alleles (0.0055%); highest among the groups gnomAD compares: Non-Finnish European, 0.007%; no homozygotes.

Submissions (3):

Labcorp Genetics (formerly Invitae), Labcorp
Classification: Likely benign for Brugada syndrome. Last evaluated: 2025-12-27. Review status: criteria provided, single submitter. Criteria: Invitae Variant Classification Sherloc (09022015). Collection method: clinical testing. Allele origin: germline.

Ambry Genetics
Classification: Likely benign for Cardiovascular phenotype. Last evaluated: 2019-07-11. Review status: criteria provided, single submitter. Criteria: Ambry Variant Classification Scheme 2023. Collection method: clinical testing. Allele origin: germline.

PreventionGenetics, part of Exact Sciences
Classification: Likely benign for SCN10A-related condition. Last evaluated: 2019-06-11. Review status: no assertion criteria provided. Collection method: clinical testing. Allele origin: germline. Not counted in ClinVar's aggregate classification.
Comment: This variant is classified as likely benign based on ACMG/AMP sequence variant interpretation guidelines (Richards et al. 2015 PMID: 25741868, with internal and published modifications).